The following is an entry in ClinVar:

ClinVar aggregate classification (germline): Uncertain significance. Review status: criteria provided, multiple submitters, no conflicts (2 of 4 stars). 2 submissions from 2 submitters: Uncertain significance (2). Last evaluated 2022-07-19.

Conditions:
Hereditary cancer-predisposing syndrome. Also called: Hereditary neoplastic syndrome; Tumor predisposition; Hereditary Cancer Syndrome; Neoplastic Syndromes, Hereditary. Identifiers: Orphanet 140162, MedGen C0027672, MeSH D009386, MONDO:0015356.
Juvenile polyposis syndrome (JPS). Identifiers: Orphanet 2929, MedGen C0345893, MONDO:0017380, OMIM 174900.

gnomAD v4.1: 1 of 1,611,858 alleles (0.000062%); highest among the groups gnomAD compares: African/African-American, 0.0013%; no homozygotes.

Submissions (2):

Ambry Genetics
Classification: Uncertain significance for Hereditary cancer-predisposing syndrome. Last evaluated: 2022-07-19. Review status: criteria provided, single submitter. Criteria: Ambry Variant Classification Scheme 2023. Collection method: clinical testing. Allele origin: germline.
Comment: The p.A13V variant (also known as c.38C>T), located in coding exon 1 of the BMPR1A gene, results from a C to T substitution at nucleotide position 38. The alanine at codon 13 is replaced by valine, an amino acid with similar properties. This amino acid position is conserved. In addition, this alteration is predicted to be tolerated by in silico analysis. Since supporting evidence is limited at this time, the clinical significance of this alteration remains unclear.

Labcorp Genetics (formerly Invitae), Labcorp
Classification: Uncertain significance for Juvenile polyposis syndrome. Last evaluated: 2022-07-05. Review status: criteria provided, single submitter. Criteria: Invitae Variant Classification Sherloc (09022015). Collection method: clinical testing. Allele origin: germline.
Comment: This variant has not been reported in the literature in individuals affected with BMPR1A-related conditions. In summary, the available evidence is currently insufficient to determine the role of this variant in disease. Therefore, it has been classified as a Variant of Uncertain Significance. Advanced modeling of protein sequence and biophysical properties (such as structural, functional, and spatial information, amino acid conservation, physicochemical variation, residue mobility, and thermodynamic stability) performed at Invitae indicates that this missense variant is not expected to disrupt BMPR1A protein function. ClinVar contains an entry for this variant (Variation ID: 1430706). This variant is not present in population databases (gnomAD no frequency). This sequence change replaces alanine, which is neutral and non-polar, with valine, which is neutral and non-polar, at codon 13 of the BMPR1A protein (p.Ala13Val).

NM_004329.3(BMPR1A):c.38C>T (p.Ala13Val)

Gene: BMPR1A (bone morphogenetic protein receptor type 1A; plus strand). Cytogenetic location: 10q23.2.
Variant type: single nucleotide variant.
Coding change: c.38C>T on transcript NM_004329.3 (MANE Select); coding-DNA position 38, C replaced by T.
Protein change: p.Ala13Val; replaces alanine 13 with valine.
Molecular consequence: missense variant.
Genome position (GRCh38, 1-based): chr10:86,876,056, C>T. VCF-style: chr10-86876056-C-T. GRCh37 (hg19) VCF-style: chr10-88635813-C-T.
Other names: short protein forms A13V.
Identifiers: ClinVar variation 1430706 (VCV001430706.10), dbSNP rs754015069, ClinGen allele CA377774818.